The following is an entry in ClinVar:

NM_001048174.2(MUTYH):c.1558G>T (p.Ala520Ser)

Gene: MUTYH (mutY DNA glycosylase; minus strand). Cytogenetic location: 1p34.1.
Variant type: single nucleotide variant.
Coding change: c.1558G>T on transcript NM_001048174.2 (MANE Select); coding-DNA position 1558, G replaced by T.
Protein change: p.Ala520Ser; replaces alanine 520 with serine.
Molecular consequence: missense variant. On other transcripts: non-coding transcript variant (7).
Genome position (GRCh38, 1-based): chr1:45,329,314, C>A on the plus strand (G>T on the coding strand, the complement: MUTYH is on the minus strand). VCF-style: chr1-45329314-C-A. GRCh37 (hg19) VCF-style: chr1-45794986-C-A.
Other names: c.1558G>T, p.Ala520Ser (NM_001048171.2, NM_001048173.2, NM_001407070.1 and 6 more transcripts); c.1561G>T, p.Ala521Ser (NM_001048172.2, NM_001407071.1, NM_001407078.1 and 1 more transcripts); c.1474G>T, p.Ala492Ser (NM_001407075.1); c.1591G>T, p.Ala531Ser (NM_001407077.1, NM_001293191.2, NM_001407069.1); c.1519G>T, p.Ala507Ser (NM_001407079.1); c.1516G>T, p.Ala506Ser (NM_001407080.1); c.1642G>T, p.Ala548Ser (NM_001128425.2); c.1603G>T, p.Ala535Ser (NM_001293190.2); and 5 more; short protein forms A527S, A548S, A405S, A492S, A520S, A506S, A535S, A545S.
Identifiers: ClinVar variation 4113488 (VCV004113488.1).

ClinVar aggregate classification (germline): Uncertain significance (1 of 4 stars; one submission).

Conditions:
Hereditary cancer-predisposing syndrome. Also called: Hereditary neoplastic syndrome; Neoplastic Syndromes, Hereditary; Tumor predisposition; Hereditary Cancer Syndrome. Identifiers: Orphanet 140162, MedGen C0027672, MeSH D009386, MONDO:0015356.

Submission:

Ambry Genetics
Classification: Uncertain significance for Hereditary cancer-predisposing syndrome. Last evaluated: 2025-08-27. Review status: criteria provided, single submitter. Criteria: Ambry Variant Classification Scheme 2023. Collection method: clinical testing. Allele origin: germline.
Comment: The p.A548S variant (also known as c.1642G>T), located in coding exon 16 of the MUTYH gene, results from a G to T substitution at nucleotide position 1642. The alanine at codon 548 is replaced by serine, an amino acid with similar properties. This amino acid position is conserved. In addition, this alteration is predicted to be tolerated by in silico analysis. Based on the available evidence, the clinical significance of this variant remains unclear.